The following is an entry in ClinVar:

NM_006015.6(ARID1A):c.729GGC[2] (p.Ala247del)

Genes: ARID1A (AT-rich interaction domain 1A; plus strand), LOC129929837 (ATAC-STARR-seq lymphoblastoid silent region 489; plus strand). Cytogenetic location: 1p36.11.
Variant type: Microsatellite.
Coding change: c.729GGC[2] on transcript NM_006015.6 (MANE Select); two copies in a row of the 3-base unit GGC starting at c.729; the reference has three copies in a row; one copy, 3 bases deleted.
Protein change: p.Ala247del; deletes alanine 247.
Molecular consequence: inframe deletion.
Genome position (GRCh38, 1-based): chr1:26,697,138-26,697,140, GGC deleted; deleting any 3 consecutive bases within chr1:26,697,130-26,697,140 gives the same sequence; the position shown is the placement nearest the transcript's 3' end. VCF-style (leftmost placement, unchanged base first): chr1-26697129-CGCG-C. GRCh37 (hg19) VCF-style: chr1-27023620-CGCG-C.
Other names: c.729GGC[2], p.Ala247del (NM_139135.4); short protein forms A247del.
Identifiers: ClinVar variation 1982352 (VCV001982352.4), dbSNP rs749970078, ClinGen allele CA706667.

ClinVar aggregate classification (germline): Uncertain significance (1 of 4 stars; one submission).

Submission:

Labcorp Genetics (formerly Invitae), Labcorp
Classification: Uncertain significance. Last evaluated: 2022-07-01. Review status: criteria provided, single submitter. Criteria: Invitae Variant Classification Sherloc (09022015). Collection method: clinical testing. Allele origin: germline.
Comment: In summary, the available evidence is currently insufficient to determine the role of this variant in disease. Therefore, it has been classified as a Variant of Uncertain Significance. Experimental studies and prediction algorithms are not available or were not evaluated, and the functional significance of this variant is currently unknown. This variant has not been reported in the literature in individuals affected with ARID1A-related conditions. The frequency data for this variant in the population databases is considered unreliable, as metrics indicate poor data quality at this position in the gnomAD database. This variant, c.735_737del, results in the deletion of 1 amino acid(s) of the ARID1A protein (p.Ala247del), but otherwise preserves the integrity of the reading frame.